The following is an entry in ClinVar:

NM_000038.6(APC):c.3484T>C (p.Tyr1162His)

Gene: APC (APC regulator of Wnt signaling pathway; plus strand). Cytogenetic location: 5q22.2.
Variant type: single nucleotide variant.
Coding change: c.3484T>C on transcript NM_000038.6 (MANE Select); coding-DNA position 3484, T replaced by C.
Protein change: p.Tyr1162His; replaces tyrosine 1162 with histidine.
Molecular consequence: missense variant.
Genome position (GRCh38, 1-based): chr5:112,839,078, T>C. VCF-style: chr5-112839078-T-C. GRCh37 (hg19) VCF-style: chr5-112174775-T-C.
Other names: c.3484T>C, p.Tyr1162His (NM_001127510.3, NM_001354895.2); c.3430T>C, p.Tyr1144His (NM_001127511.3); c.3538T>C, p.Tyr1180His (NM_001354896.2); c.3514T>C, p.Tyr1172His (NM_001354897.2); c.3409T>C, p.Tyr1137His (NM_001354898.2); c.3400T>C, p.Tyr1134His (NM_001354899.2); c.3361T>C, p.Tyr1121His (NM_001354900.2); c.3307T>C, p.Tyr1103His (NM_001354901.2); and 5 more; short protein forms Y1036H, Y1137H, Y1172H, Y1121H, Y1134H, Y1002H, Y1103H, Y1180H.
Identifiers: ClinVar variation 659894 (VCV000659894.11), dbSNP rs1210397302, ClinGen allele CA16028977.

ClinVar aggregate classification (germline): Uncertain significance. Review status: criteria provided, multiple submitters, no conflicts (2 of 4 stars). 4 submissions from 4 submitters: Uncertain significance (4). Last evaluated 2025-04-28.

Conditions:
Familial adenomatous polyposis 1 (FAP1). Also called: POLYPOSIS, ADENOMATOUS INTESTINAL; FAMILIAL ADENOMATOUS POLYPOSIS 1, ATTENUATED. Identifiers: MedGen C2713442, MONDO:0021056, OMIM 175100. Disease mechanism: loss of function.
Hereditary cancer-predisposing syndrome. Also called: Hereditary neoplastic syndrome; Neoplastic Syndromes, Hereditary; Hereditary Cancer Syndrome; Tumor predisposition. Identifiers: Orphanet 140162, MedGen C0027672, MeSH D009386, MONDO:0015356.

gnomAD v4.1: 2 of 1,614,076 alleles (0.00012%); highest among the groups gnomAD compares: Middle Eastern, 0.016%; no homozygotes.

Submissions (4):

Color Diagnostics, LLC DBA Color Health
Classification: Uncertain significance for Hereditary cancer-predisposing syndrome. Last evaluated: 2025-04-28. Review status: criteria provided, single submitter. Criteria: ACMG Guidelines, 2015. Collection method: clinical testing. Allele origin: germline.
Comment: This missense variant replaces tyrosine with histidine at codon 1162 of the APC protein. Computational prediction is inconclusive regarding the impact of this variant on protein structure and function. To our knowledge, functional studies have not been reported for this variant. This variant has not been reported in individuals affected with APC-related disorders in the literature. This variant has not been identified in the general population by the Genome Aggregation Database (gnomAD). The available evidence is insufficient to determine the role of this variant in disease conclusively. Therefore, this variant is classified as a Variant of Uncertain Significance.

Ambry Genetics
Classification: Uncertain significance for Hereditary cancer-predisposing syndrome. Last evaluated: 2025-04-07. Review status: criteria provided, single submitter. Criteria: Ambry Variant Classification Scheme 2023. Collection method: clinical testing. Allele origin: germline.
Comment: The p.Y1162H variant (also known as c.3484T>C), located in coding exon 15 of the APC gene, results from a T to C substitution at nucleotide position 3484. The tyrosine at codon 1162 is replaced by histidine, an amino acid with similar properties. This amino acid position is conserved. In addition, in silico predictors for this gene do not accurately predict pathogenicity. Since supporting evidence is limited at this time, the clinical significance of this alteration remains unclear.

Labcorp Genetics (formerly Invitae), Labcorp
Classification: Uncertain significance for Familial adenomatous polyposis 1. Last evaluated: 2025-01-07. Review status: criteria provided, single submitter. Criteria: Invitae Variant Classification Sherloc (09022015). Collection method: clinical testing. Allele origin: germline.
Comment: This sequence change replaces tyrosine, which is neutral and polar, with histidine, which is basic and polar, at codon 1162 of the APC protein (p.Tyr1162His). This variant is not present in population databases (gnomAD no frequency). This variant has not been reported in the literature in individuals affected with APC-related conditions. ClinVar contains an entry for this variant (Variation ID: 659894). Invitae Evidence Modeling of protein sequence and biophysical properties (such as structural, functional, and spatial information, amino acid conservation, physicochemical variation, residue mobility, and thermodynamic stability) indicates that this missense variant is not expected to disrupt APC protein function with a negative predictive value of 95%. In summary, the available evidence is currently insufficient to determine the role of this variant in disease. Therefore, it has been classified as a Variant of Uncertain Significance.

Sema4
Classification: Uncertain significance for Hereditary cancer-predisposing syndrome. Last evaluated: 2021-12-08. Review status: criteria provided, single submitter. Criteria: Sema4 Curation Guidelines. Collection method: curation. Allele origin: germline.
Comment: To the best of our knowledge, the APC c.3484T>C (p.Y1162H) variant has not been reported in individuals with APC-related disease. It was not observed in the large and broad cohorts of the Genome Aggregation Database (PMID: 32461654). This variant has been reported in ClinVar (Variation ID: 659894). Functional studies have not been performed, and in silico predictions of the variant's effect on protein function are inconclusive. Based on the current evidence available, this variant is interpreted as a variant of uncertain significance.